The following is an entry in ClinVar:

ClinVar aggregate classification (germline): Uncertain significance. Review status: criteria provided, multiple submitters, no conflicts (2 of 4 stars). 2 submissions from 2 submitters: Uncertain significance (2). Last evaluated 2025-03-10.

Conditions:
Baller-Gerold syndrome (BGS). Also called: CRANIOSYNOSTOSIS WITH RADIAL DEFECTS. Identifiers: Orphanet 1225, MedGen C0265308, MONDO:0009039, OMIM 218600.
Inborn genetic diseases. Identifiers: MedGen C0950123, MeSH D030342.

Allele frequency attached by ClinVar (database versions not stated): gnomAD exomes below 0.00001.
gnomAD v4.1: 1 of 1,578,532 alleles (0.000063%); highest among the groups gnomAD compares: Non-Finnish European, 0.000086%; no homozygotes.

Submissions (2):

Ambry Genetics
Classification: Uncertain significance for Inborn genetic diseases. Last evaluated: 2025-03-10. Review status: criteria provided, single submitter. Criteria: Ambry Variant Classification Scheme 2023. Collection method: clinical testing. Allele origin: germline.
Comment: The p.N708I variant (also known as c.2123A>T), located in coding exon 13 of the RECQL4 gene, results from an A to T substitution at nucleotide position 2123. The asparagine at codon 708 is replaced by isoleucine, an amino acid with dissimilar properties. This amino acid position is conserved. In addition, the in silico prediction for this alteration is inconclusive. Based on the available evidence, the clinical significance of this variant remains unclear.

Labcorp Genetics (formerly Invitae), Labcorp
Classification: Uncertain significance for Baller-Gerold syndrome. Last evaluated: 2023-05-11. Review status: criteria provided, single submitter. Criteria: Invitae Variant Classification Sherloc (09022015). Collection method: clinical testing. Allele origin: germline.
Comment: In summary, the available evidence is currently insufficient to determine the role of this variant in disease. Therefore, it has been classified as a Variant of Uncertain Significance. Advanced modeling of protein sequence and biophysical properties (such as structural, functional, and spatial information, amino acid conservation, physicochemical variation, residue mobility, and thermodynamic stability) performed at Invitae indicates that this missense variant is not expected to disrupt RECQL4 protein function. ClinVar contains an entry for this variant (Variation ID: 1015061). This variant has not been reported in the literature in individuals affected with RECQL4-related conditions. This variant is not present in population databases (gnomAD no frequency). This sequence change replaces asparagine, which is neutral and polar, with isoleucine, which is neutral and non-polar, at codon 708 of the RECQL4 protein (p.Asn708Ile).

NM_004260.4(RECQL4):c.2123A>T (p.Asn708Ile)

Gene: RECQL4 (RecQ like helicase 4; minus strand). Cytogenetic location: 8q24.3.
Variant type: single nucleotide variant.
Coding change: c.2123A>T on transcript NM_004260.4 (MANE Select); coding-DNA position 2123, A replaced by T.
Protein change: p.Asn708Ile; replaces asparagine 708 with isoleucine.
Molecular consequence: missense variant.
Genome position (GRCh38, 1-based): chr8:144,513,648, T>A on the plus strand (A>T on the coding strand, the complement: RECQL4 is on the minus strand). VCF-style: chr8-144513648-T-A. GRCh37 (hg19) VCF-style: chr8-145739032-T-A.
Other names: c.2123A>T (NM_004260.3); short protein forms N708I.
Identifiers: ClinVar variation 1015061 (VCV001015061.6), dbSNP rs1564796315, ClinGen allele CA372679842.